The following is an entry in ClinVar:

ClinVar aggregate classification (germline): Uncertain significance (1 of 4 stars; one submission).

Conditions:
MKS1-related disorder. Also called: MKS1-related disorders; MKS1-related condition. Identifiers: MedGen CN239382.

Submission:

PreventionGenetics, part of Exact Sciences
Classification: Uncertain significance for MKS1-related condition. Last evaluated: 2022-11-23. Review status: criteria provided, single submitter. Criteria: ACMG Guidelines, 2015. Collection method: clinical testing. Allele origin: germline.
Comment: The MKS1 c.1224_1229del6 variant is predicted to result in an in-frame deletion (p.Gln408_Tyr410delinsHis). To our knowledge, this variant has not been reported in the literature. This variant is reported in 0.0065% of alleles in individuals of European (Non-Finnish) descent in gnomAD. At this time, the clinical significance of this variant is uncertain due to the absence of conclusive functional and genetic evidence.

NM_017777.4(MKS1):c.1224_1229del (p.Gln408_Tyr410delinsHis)

Gene: MKS1 (MKS transition zone complex subunit 1; minus strand). Cytogenetic location: 17q22.
Variant type: Deletion.
Coding change: c.1224_1229del on transcript NM_017777.4 (MANE Select); coding-DNA positions 1224 to 1229, 6 bases deleted (GAGGTA; older notation c.1224_1229delGAGGTA).
Protein change: p.Gln408_Tyr410delinsHis.
Molecular consequence: inframe indel.
Genome position (GRCh38, 1-based): chr17:58,207,938-58,207,943, TACCTC deleted on the plus strand (GAGGTA on the coding strand, the reverse complement: MKS1 is on the minus strand); deleting any 6 consecutive bases within chr17:58,207,938-58,207,944 gives the same sequence; the c. name uses the placement nearest the transcript's 3' end. VCF-style (leftmost placement, unchanged base first): chr17-58207937-GTACCTC-G. GRCh37 (hg19) VCF-style: chr17-56285298-GTACCTC-G.
Other names: c.1224_1229del6 (NM_017777.3); c.615_620del, p.Gln205_Tyr207delinsHis (NM_001321268.2); c.1224_1229del, p.Gln408_Tyr410delinsHis (NM_001321269.2, NM_001330397.2, NM_001411113.1).
Identifiers: ClinVar variation 2636295 (VCV002636295.1), dbSNP rs1488938821, ClinGen allele CA627143020.
Genomic context (GRCh38, chr17:58,207,937, plus strand): 5'-CAGAGACGAGCGGTTACCTGGAGTGGCAGGCAGCACCACAGCCCCATAGCCTTCCACACG[GTACCTC>G]TGCCAGAAGTCCAGCGAGAGGACCTCACAGTAGAGCACAGGCCACTCCGGGAGTGCATCT-3'